The following is an entry in ClinVar:

ClinVar aggregate classification (germline): Conflicting classifications of pathogenicity. Review status: criteria provided, conflicting classifications (1 of 4 stars). 2 submissions from 2 submitters: Uncertain significance (1); Likely benign (1). Last evaluated 2024-04-15.

Conditions:
Multiple congenital anomalies-hypotonia-seizures syndrome 1 (MCAHS1). Also called: GLYCOSYLPHOSPHATIDYLINOSITOL BIOSYNTHESIS DEFECT 3; PIGN-CDG; Congenital disorder of glycosylation due to PIGN deficiency. Identifiers: Orphanet 280633, MedGen C3279775, MONDO:0013563, OMIM 614080.
Inborn genetic diseases. Identifiers: MedGen C0950123, MeSH D030342.

Allele frequency attached by ClinVar (database versions not stated): gnomAD 0.00001 and 0.00003; ExAC 0.00003; gnomAD exomes 0.00004; TOPMed 0.00005; ESP Exome Variant Server 0.00009.
gnomAD v4.1: 71 of 1,603,510 alleles (0.0044%); highest among the groups gnomAD compares: Non-Finnish European, 0.0052%; no homozygotes.

Submissions (2):

Ambry Genetics
Classification: Likely benign for Inborn genetic diseases. Last evaluated: 2024-04-15. Review status: criteria provided, single submitter. Criteria: Ambry Variant Classification Scheme 2023. Collection method: clinical testing. Allele origin: germline.

Labcorp Genetics (formerly Invitae), Labcorp
Classification: Uncertain significance for Multiple congenital anomalies-hypotonia-seizures syndrome 1. Last evaluated: 2021-09-01. Review status: criteria provided, single submitter. Criteria: Invitae Variant Classification Sherloc (09022015). Collection method: clinical testing. Allele origin: germline.
Comment: This sequence change replaces valine with isoleucine at codon 866 of the PIGN protein (p.Val866Ile). The valine residue is moderately conserved and there is a small physicochemical difference between valine and isoleucine. This variant is present in population databases (rs367627571, ExAC 0.005%). This variant has not been reported in the literature in individuals affected with PIGN-related conditions. Algorithms developed to predict the effect of missense changes on protein structure and function output the following: SIFT: "Tolerated"; PolyPhen-2: "Benign"; Align-GVGD: "Class C0". The isoleucine amino acid residue is found in multiple mammalian species, which suggests that this missense change does not adversely affect protein function. In summary, the available evidence is currently insufficient to determine the role of this variant in disease. Therefore, it has been classified as a Variant of Uncertain Significance.

NM_176787.5(PIGN):c.2596G>A (p.Val866Ile)

Gene: PIGN (phosphatidylinositol glycan anchor biosynthesis class N; minus strand). Cytogenetic location: 18q21.33.
Variant type: single nucleotide variant.
Coding change: c.2596G>A on transcript NM_176787.5 (MANE Select); coding-DNA position 2596, G replaced by A.
Protein change: p.Val866Ile; replaces valine 866 with isoleucine.
Molecular consequence: missense variant.
Genome position (GRCh38, 1-based): chr18:62,074,802, C>T on the plus strand (G>A on the coding strand, the complement: PIGN is on the minus strand). VCF-style: chr18-62074802-C-T. GRCh37 (hg19) VCF-style: chr18-59742035-C-T.
Other names: c.2596G>A, p.Val866Ile (NM_012327.6); short protein forms V866I.
Identifiers: ClinVar variation 576219 (VCV000576219.10), dbSNP rs367627571, ClinGen allele CA8981936.